The following is an entry in ClinVar:

NM_000088.4(COL1A1):c.466G>A (p.Gly156Arg)

Gene: COL1A1 (collagen type I alpha 1 chain; minus strand). Cytogenetic location: 17q21.33.
Variant type: single nucleotide variant.
Coding change: c.466G>A on transcript NM_000088.4 (MANE Select); coding-DNA position 466, G replaced by A.
Protein change: p.Gly156Arg; replaces glycine 156 with arginine.
Molecular consequence: missense variant.
Genome position (GRCh38, 1-based): chr17:50,199,231, C>T on the plus strand (G>A on the coding strand, the complement: COL1A1 is on the minus strand). VCF-style: chr17-50199231-C-T. GRCh37 (hg19) VCF-style: chr17-48276592-C-T.
Other names: short protein forms G156R.
Identifiers: ClinVar variation 2718646 (VCV002718646.5), dbSNP rs781774588, ClinGen allele CA8645698.

ClinVar aggregate classification (germline): Uncertain significance. Review status: criteria provided, multiple submitters, no conflicts (2 of 4 stars). 3 submissions from 3 submitters: Uncertain significance (3). Last evaluated 2025-07-21.

Conditions:
Osteogenesis imperfecta type I (OI1). Also called: Lobstein's Disease; Classic Non-deforming Osteogenesis Imperfecta with Blue Sclerae; Lobstein disease; OI, TYPE I; OSTEOGENESIS IMPERFECTA TARDA; OSTEOGENESIS IMPERFECTA WITH BLUE SCLERAE. Identifiers: Orphanet 216796, Orphanet 666, MedGen C0023931, MONDO:0008146, OMIM 166200. Disease mechanism: loss of function.
Cardiovascular phenotype. Identifiers: MedGen CN230736.

Allele frequency attached by ClinVar (database versions not stated): TOPMed 0.00001.

Submissions (3):

Ambry Genetics
Classification: Uncertain significance for Cardiovascular phenotype. Last evaluated: 2025-07-21. Review status: criteria provided, single submitter. Criteria: Ambry Variant Classification Scheme 2023. Collection method: clinical testing. Allele origin: germline.
Comment: The p.G156R variant (also known as c.466G>A), located in coding exon 5 of the COL1A1 gene, results from a G to A substitution at nucleotide position 466. The glycine at codon 156 is replaced by arginine, an amino acid with dissimilar properties. This amino acid position is highly conserved in available vertebrate species. In addition, this alteration is predicted to be deleterious by in silico analysis. Based on the available evidence, the clinical significance of this variant remains unclear.

GeneDx
Classification: Uncertain significance. Last evaluated: 2025-03-06. Review status: criteria provided, single submitter. Criteria: GeneDx Variant Classification Process June 2021. Collection method: clinical testing. Allele origin: germline. Affected: yes.
Comment: Not observed at significant frequency in large population cohorts (gnomAD); In silico analysis supports that this missense variant has a deleterious effect on protein structure/function; Has not been previously published as pathogenic or benign to our knowledge; Not located in the triple helical region, where the majority of pathogenic missense variants occur (HGMD)

Labcorp Genetics (formerly Invitae), Labcorp
Classification: Uncertain significance for Osteogenesis imperfecta type I. Last evaluated: 2024-12-10. Review status: criteria provided, single submitter. Criteria: Invitae Variant Classification Sherloc (09022015). Collection method: clinical testing. Allele origin: germline.
Comment: This sequence change replaces glycine, which is neutral and non-polar, with arginine, which is basic and polar, at codon 156 of the COL1A1 protein (p.Gly156Arg). This variant is not present in population databases (gnomAD no frequency). This variant has not been reported in the literature in individuals affected with COL1A1-related conditions. ClinVar contains an entry for this variant (Variation ID: 2718646). Invitae Evidence Modeling of protein sequence and biophysical properties (such as structural, functional, and spatial information, amino acid conservation, physicochemical variation, residue mobility, and thermodynamic stability) has been performed for this missense variant. However, the output from this modeling did not meet the statistical confidence thresholds required to predict the impact of this variant on COL1A1 protein function. In summary, the available evidence is currently insufficient to determine the role of this variant in disease. Therefore, it has been classified as a Variant of Uncertain Significance.